The following is an entry in ClinVar:

NM_003924.4(PHOX2B):c.887C>G (p.Ser296Cys)

Gene: PHOX2B (paired like homeobox 2B; minus strand). Cytogenetic location: 4p13.
Variant type: single nucleotide variant.
Coding change: c.887C>G on transcript NM_003924.4 (MANE Select); coding-DNA position 887, C replaced by G.
Protein change: p.Ser296Cys; replaces serine 296 with cysteine.
Molecular consequence: missense variant.
Genome position (GRCh38, 1-based): chr4:41,745,865, G>C on the plus strand (C>G on the coding strand, the complement: PHOX2B is on the minus strand). VCF-style: chr4-41745865-G-C. GRCh37 (hg19) VCF-style: chr4-41747882-G-C.
Other names: short protein forms S296C.
Identifiers: ClinVar variation 3306280 (VCV003306280.1).

ClinVar aggregate classification (germline): Uncertain significance (1 of 4 stars; one submission).

Conditions:
Hereditary cancer-predisposing syndrome. Also called: Tumor predisposition; Hereditary Cancer Syndrome; Hereditary neoplastic syndrome; Neoplastic Syndromes, Hereditary. Identifiers: Orphanet 140162, MedGen C0027672, MeSH D009386, MONDO:0015356.

gnomAD v4.1: 1 of 1,609,664 alleles (0.000062%); highest among the groups gnomAD compares: Non-Finnish European, 0.000085%; no homozygotes.

Submission:

Ambry Genetics
Classification: Uncertain significance for Hereditary cancer-predisposing syndrome. Last evaluated: 2024-05-19. Review status: criteria provided, single submitter. Criteria: Ambry Variant Classification Scheme 2023. Collection method: clinical testing. Allele origin: germline.
Comment: The p.S296C variant (also known as c.887C>G), located in coding exon 3 of the PHOX2B gene, results from a C to G substitution at nucleotide position 887. The serine at codon 296 is replaced by cysteine, an amino acid with dissimilar properties. This amino acid position is conserved. In addition, this alteration is predicted to be deleterious by in silico analysis. Based on the available evidence, the clinical significance of this variant remains unclear.